The following is an entry in ClinVar:

NM_002087.4:c.(?_-41)_(-8+1_-7-1)del

Gene: GRN (granulin precursor; plus strand).
Variant type: Deletion.
Other names: c.(?_-41)_(-8+1_-7-1)del (NM_002087.4).
Identifiers: ClinVar variation 2682215 (VCV002682215.1).

ClinVar aggregate classification (germline): Uncertain significance (1 of 4 stars; one submission).

Submission:

Women's Health and Genetics/Laboratory Corporation of America, LabCorp
Classification: Uncertain significance. Last evaluated: 2023-11-21. Review status: criteria provided, single submitter. Criteria: LabCorp Variant Classification Summary - May 2015. Collection method: clinical testing. Allele origin: germline.
Comment: Variant summary: GRN c.(?_-41)_(-8+1_-7-1)del involves the deletion of exon 1 that is located in the untranscribed region upstream of the gene region. The GRN gene has a noncoding exon at the 5'-end (exons 1) and 12 coding exons (exons 2-13), therefore deletion of exon 1 doesn't affect the protein coding region, but might alter the gene expression. A deletion variant that encompasses exon 1 of the GRN gene was found at a frequency of 8e-06 in 125180 control chromosomes (i.e. in one heterozygous carrier) in the gnomAD Structural Variants dataset v4.0. The available data on variant occurrences in the general population are insufficient to allow any conclusion about variant significance. A heterozygous deletion that removed the non-coding exon 1 (likely together with a portion of the 5' region upstream of GRN gene) has been reported in the literature in an individual affected with frontotemporal lobar degeneration (FTLD), who also had reduced plasma progranulin levels, consistent with progranulin haploinsufficiency (Clot_2014). The following publication have been ascertained in the context of this evaluation (PMID: 24469240). No submitters have cited clinical-significance assessments for this variant to ClinVar after 2014. Based on the evidence outlined above, the variant was classified as VUS-possibly pathogenic.

Literature cited by the submitters: PubMed 24469240.